The following is an entry in ClinVar:

NM_004656.4(BAP1):c.1535G>T (p.Arg512Leu)

Gene: BAP1 (BRCA1 associated deubiquitinase 1; minus strand). Cytogenetic location: 3p21.1.
Variant type: single nucleotide variant.
Coding change: c.1535G>T on transcript NM_004656.4 (MANE Select); coding-DNA position 1535, G replaced by T.
Protein change: p.Arg512Leu; replaces arginine 512 with leucine.
Molecular consequence: missense variant.
Genome position (GRCh38, 1-based): chr3:52,403,610, C>A on the plus strand (G>T on the coding strand, the complement: BAP1 is on the minus strand). VCF-style: chr3-52403610-C-A. GRCh37 (hg19) VCF-style: chr3-52437626-C-A.
Other names: c.1535G>T (LRG_529t1, NM_004656.3); short protein forms R512L.
Identifiers: ClinVar variation 485269 (VCV000485269.19), dbSNP rs778596308, ClinGen allele CA353100787.

ClinVar aggregate classification (germline): Uncertain significance. Review status: criteria provided, multiple submitters, no conflicts (2 of 4 stars). 6 submissions from 6 submitters: Uncertain significance (6). Last evaluated 2025-06-04.

Conditions:
Hereditary cancer-predisposing syndrome. Also called: Neoplastic Syndromes, Hereditary; Tumor predisposition; Hereditary Cancer Syndrome; Hereditary neoplastic syndrome. Identifiers: Orphanet 140162, MedGen C0027672, MeSH D009386, MONDO:0015356.
BAP1-related tumor predisposition syndrome (TPDS1). Also called: Tumor susceptibility linked to germline BAP1 mutations; BAP1 tumor predisposition syndrome; COMMON Syndrome; TUMOR PREDISPOSITION SYNDROME 1. Identifiers: Orphanet 289539, MedGen C3280492, MONDO:0013692, OMIM 614327.

Allele frequency attached by ClinVar (database versions not stated): TOPMed below 0.00001.
gnomAD v4.1: 2 of 1,614,100 alleles (0.00012%); highest among the groups gnomAD compares: Non-Finnish European, 0.00017%; no homozygotes.

Submissions (6):

Labcorp Genetics (formerly Invitae), Labcorp
Classification: Uncertain significance for BAP1-related tumor predisposition syndrome. Last evaluated: 2025-06-04. Review status: criteria provided, single submitter. Criteria: Invitae Variant Classification Sherloc (09022015). Collection method: clinical testing. Allele origin: germline.
Comment: This sequence change replaces arginine, which is basic and polar, with leucine, which is neutral and non-polar, at codon 512 of the BAP1 protein (p.Arg512Leu). This variant is present in population databases (no rsID available, gnomAD 0.0009%). This variant has not been reported in the literature in individuals affected with BAP1-related conditions. ClinVar contains an entry for this variant (Variation ID: 485269). Invitae Evidence Modeling of protein sequence and biophysical properties (such as structural, functional, and spatial information, amino acid conservation, physicochemical variation, residue mobility, and thermodynamic stability) indicates that this missense variant is not expected to disrupt BAP1 protein function with a negative predictive value of 80%. In summary, the available evidence is currently insufficient to determine the role of this variant in disease. Therefore, it has been classified as a Variant of Uncertain Significance.

Ambry Genetics
Classification: Uncertain significance for Hereditary cancer-predisposing syndrome. Last evaluated: 2024-12-09. Review status: criteria provided, single submitter. Criteria: Ambry Variant Classification Scheme 2023. Collection method: clinical testing. Allele origin: germline.
Comment: The p.R512L variant (also known as c.1535G>T), located in coding exon 13 of the BAP1 gene, results from a G to T substitution at nucleotide position 1535. The arginine at codon 512 is replaced by leucine, an amino acid with dissimilar properties. This amino acid position is highly conserved in available vertebrate species. In addition, this alteration is predicted to be deleterious by in silico analysis. Since supporting evidence is limited at this time, the clinical significance of this alteration remains unclear.

Baylor Genetics
Classification: Uncertain significance for BAP1-related tumor predisposition syndrome. Last evaluated: 2023-10-27. Review status: criteria provided, single submitter. Criteria: ACMG Guidelines, 2015. Collection method: clinical testing. Allele origin: unknown.

GeneDx
Classification: Uncertain significance. Last evaluated: 2023-10-16. Review status: criteria provided, single submitter. Criteria: GeneDx Variant Classification Process June 2021. Collection method: clinical testing. Allele origin: germline. Affected: yes.
Comment: Not observed at significant frequency in large population cohorts (gnomAD); In silico analysis supports that this missense variant does not alter protein structure/function; Has not been previously published as pathogenic or benign to our knowledge

Quest Diagnostics Nichols Institute San Juan Capistrano
Classification: Uncertain significance. Last evaluated: 2023-04-21. Review status: criteria provided, single submitter. Criteria: Quest Diagnostics criteria. Collection method: clinical testing. Allele origin: unknown.
Comment: The variant has not been reported in individuals with BAP1-related conditions in the published literature. The frequency of this variant in the general population, 0.000004 (1/251040 chromosomes), is uninformative in assessment of its pathogenicity. Analysis of this variant using bioinformatics tools for the prediction of the effect of amino acid changes on protein structure and function yielded predictions that this variant is damaging. Additional analysis using software algorithms for the prediction of the effect of nucleotide changes on BAP1 mRNA splicing yielded predictions that this variant may result in the gain of a cryptic splice site without affecting the natural splice sites. Based on the available information, we are unable to determine the clinical significance of this variant.

Color Diagnostics, LLC DBA Color Health
Classification: Uncertain significance for Hereditary cancer-predisposing syndrome. Last evaluated: 2023-02-28. Review status: criteria provided, single submitter. Criteria: ACMG Guidelines, 2015. Collection method: clinical testing. Allele origin: germline.
Comment: This missense variant replaces arginine with leucine at codon 512 of the BAP1 protein. Computational prediction suggests that this variant may not impact protein structure and function (internally defined REVEL score threshold <= 0.5, PMID: 27666373). To our knowledge, functional studies have not been reported for this variant. This variant has not been reported in individuals affected with hereditary cancer in the literature. This variant has been identified in 1/251040 chromosomes in the general population by the Genome Aggregation Database (gnomAD). The available evidence is insufficient to determine the role of this variant in disease conclusively. Therefore, this variant is classified as a Variant of Uncertain Significance.